The following is an entry in ClinVar:

NM_001232.4(CASQ2):c.1087G>A (p.Glu363Lys)

Gene: CASQ2 (calsequestrin 2; minus strand). Cytogenetic location: 1p13.1.
Variant type: single nucleotide variant.
Coding change: c.1087G>A on transcript NM_001232.4 (MANE Select); coding-DNA position 1087, G replaced by A.
Protein change: p.Glu363Lys; replaces glutamic acid 363 with lysine.
Molecular consequence: missense variant.
Genome position (GRCh38, 1-based): chr1:115,701,354, C>T on the plus strand (G>A on the coding strand, the complement: CASQ2 is on the minus strand). VCF-style: chr1-115701354-C-T. GRCh37 (hg19) VCF-style: chr1-116243975-C-T.
Other names: short protein forms E363K.
Identifiers: ClinVar variation 1040687 (VCV001040687.11), dbSNP rs1193520667, ClinGen allele CA341766388.

ClinVar aggregate classification (germline): Uncertain significance. Review status: criteria provided, multiple submitters, no conflicts (2 of 4 stars). 4 submissions from 4 submitters: Uncertain significance (4). Last evaluated 2024-10-01.

Conditions:
Cardiovascular phenotype. Identifiers: MedGen CN230736.
Catecholaminergic polymorphic ventricular tachycardia 2. Also called: VENTRICULAR TACHYCARDIA, STRESS-INDUCED POLYMORPHIC 2; CASQ2-Related Catecholaminergic Polymorphic Ventricular Tachycardia. Identifiers: Orphanet 3286, MedGen C2677794, MONDO:0012762, OMIM 611938.
Catecholaminergic polymorphic ventricular tachycardia 1. Also called: VENTRICULAR TACHYCARDIA, CATECHOLAMINERGIC POLYMORPHIC, 1, WITH OR WITHOUT ATRIAL DYSFUNCTION AND/OR DILATED CARDIOMYOPATHY; VENTRICULAR TACHYCARDIA, STRESS-INDUCED POLYMORPHIC 1; RYR2-Related Catecholaminergic Polymorphic Ventricular Tachycardia. Identifiers: Orphanet 3286, MedGen C1631597, MONDO:0011484, OMIM 604772.

Allele frequency attached by ClinVar (database versions not stated): gnomAD exomes 0.00002 and 0.00005; TOPMed 0.00008; gnomAD 0.00016.
gnomAD v4.1: 51 of 1,613,634 alleles (0.0032%); highest among the groups gnomAD compares: Admixed American, 0.083%; 1 homozygote.

Submissions (4):

Ambry Genetics
Classification: Uncertain significance for Cardiovascular phenotype. Last evaluated: 2024-10-01. Review status: criteria provided, single submitter. Criteria: Ambry Variant Classification Scheme 2023. Collection method: clinical testing. Allele origin: germline.

Genome-Nilou Lab
Classification: Uncertain significance for Catecholaminergic polymorphic ventricular tachycardia 2. Last evaluated: 2023-04-11. Review status: criteria provided, single submitter. Criteria: ACMG Guidelines, 2015. Collection method: clinical testing. Allele origin: germline. Affected: no.

Labcorp Genetics (formerly Invitae), Labcorp
Classification: Uncertain significance for Catecholaminergic polymorphic ventricular tachycardia 1. Last evaluated: 2022-03-20. Review status: criteria provided, single submitter. Criteria: Invitae Variant Classification Sherloc (09022015). Collection method: clinical testing. Allele origin: germline.
Comment: This sequence change replaces glutamic acid, which is acidic and polar, with lysine, which is basic and polar, at codon 363 of the CASQ2 protein (p.Glu363Lys). This variant is present in population databases (no rsID available, gnomAD 0.04%). This variant has not been reported in the literature in individuals affected with CASQ2-related conditions. ClinVar contains an entry for this variant (Variation ID: 1040687). Algorithms developed to predict the effect of missense changes on protein structure and function are either unavailable or do not agree on the potential impact of this missense change (SIFT: "Deleterious"; PolyPhen-2: "Probably Damaging"; Align-GVGD: "Class C0"). In summary, the available evidence is currently insufficient to determine the role of this variant in disease. Therefore, it has been classified as a Variant of Uncertain Significance.

Revvity Omics, Revvity
Classification: Uncertain significance for Catecholaminergic polymorphic ventricular tachycardia 2. Last evaluated: 2021-09-09. Review status: criteria provided, single submitter. Criteria: ACMG Guidelines, 2015. Collection method: clinical testing. Allele origin: germline.